The following is an entry in ClinVar:

ClinVar aggregate classification (germline): Uncertain significance (1 of 4 stars; one submission).

Conditions:
Purine-nucleoside phosphorylase deficiency. Also called: Immunodeficiency due to purine nucleoside phosphorylase deficiency; NUCLEOSIDE PHOSPHORYLASE DEFICIENCY. Identifiers: Orphanet 760, MedGen C0268125, MONDO:0013171, OMIM 613179.

Allele frequency attached by ClinVar (database versions not stated): gnomAD exomes below 0.00001; ExAC 0.00001.
gnomAD v4.1: 5 of 1,613,862 alleles (0.00031%); highest among the groups gnomAD compares: South Asian, 0.0011%; no homozygotes.

Submission:

Labcorp Genetics (formerly Invitae), Labcorp
Classification: Uncertain significance for Purine-nucleoside phosphorylase deficiency. Last evaluated: 2023-08-17. Review status: criteria provided, single submitter. Criteria: Invitae Variant Classification Sherloc (09022015). Collection method: clinical testing. Allele origin: germline.
Comment: ClinVar contains an entry for this variant (Variation ID: 1950302). In summary, the available evidence is currently insufficient to determine the role of this variant in disease. Therefore, it has been classified as a Variant of Uncertain Significance. Advanced modeling of protein sequence and biophysical properties (such as structural, functional, and spatial information, amino acid conservation, physicochemical variation, residue mobility, and thermodynamic stability) performed at Invitae indicates that this missense variant is not expected to disrupt PNP protein function. This variant has not been reported in the literature in individuals affected with PNP-related conditions. This variant is present in population databases (rs771994250, gnomAD 0.003%). This sequence change replaces valine, which is neutral and non-polar, with isoleucine, which is neutral and non-polar, at codon 27 of the PNP protein (p.Val27Ile).

NM_000270.4(PNP):c.79G>A (p.Val27Ile)

Gene: PNP (purine nucleoside phosphorylase; plus strand). Cytogenetic location: 14q11.2.
Variant type: single nucleotide variant.
Coding change: c.79G>A on transcript NM_000270.4 (MANE Select); coding-DNA position 79, G replaced by A.
Protein change: p.Val27Ile; replaces valine 27 with isoleucine.
Molecular consequence: missense variant.
Genome position (GRCh38, 1-based): chr14:20,472,375, G>A. VCF-style: chr14-20472375-G-A. GRCh37 (hg19) VCF-style: chr14-20940534-G-A.
Other names: short protein forms V27I.
Identifiers: ClinVar variation 1950302 (VCV001950302.3), dbSNP rs771994250, ClinGen allele CA7082010.
Genomic context (GRCh38, chr14:20,472,375, plus strand): 5'-TATGAAGATTATAAGAACACTGCAGAATGGCTTCTGTCTCACACTAAGCACCGACCTCAA[G>A]TTGCAATAATCTGTGGTTCTGGATTAGGAGGTCTGACTGATAAATTAACTCAGGCCCAGA-3'
Protein context (NP_000261.2, residues 17-37): LLSHTKHRPQ[Val27Ile]AIICGSGLGG